The following is an entry in ClinVar:

ClinVar aggregate classification (germline): Uncertain significance (1 of 4 stars; one submission).

Conditions:
Xeroderma pigmentosum (XP). Identifiers: Orphanet 910, MedGen C0043346, MONDO:0019600.

Allele frequency attached by ClinVar (database versions not stated): TOPMed below 0.00001.
gnomAD v4.1: 3 of 1,614,096 alleles (0.00019%); highest among the groups gnomAD compares: South Asian, 0.0011%; no homozygotes.

Submission:

Sema4
Classification: Uncertain significance for Xeroderma pigmentosum. Last evaluated: 2021-11-22. Review status: criteria provided, single submitter. Criteria: Sema4 Curation Guidelines. Collection method: curation. Allele origin: germline.
Comment: The ERCC4 c.1285G>A (p.E429K) variant has not been reported in the literature to our knowledge. It was not observed in the large and broad cohorts of the Genome Aggregation Database. In silico tools suggest the impact of the variant on protein function is benign, though these predictions have not been confirmed by functional studies. The evidence is insufficient to meet ACMG/AMP criteria for classifying the variant as benign or pathogenic. Thus, the clinical significance of this variant is currently uncertain.

NM_005236.3(ERCC4):c.1285G>A (p.Glu429Lys)

Gene: ERCC4 (ERCC excision repair 4, endonuclease catalytic subunit; plus strand). Cytogenetic location: 16p13.12.
Variant type: single nucleotide variant.
Coding change: c.1285G>A on transcript NM_005236.3 (MANE Select); coding-DNA position 1285, G replaced by A.
Protein change: p.Glu429Lys; replaces glutamic acid 429 with lysine.
Molecular consequence: missense variant.
Genome position (GRCh38, 1-based): chr16:13,935,217, G>A. VCF-style: chr16-13935217-G-A. GRCh37 (hg19) VCF-style: chr16-14029074-G-A.
Other names: short protein forms E429K.
Identifiers: ClinVar variation 1692876 (VCV001692876.1), dbSNP rs2032259728, ClinGen allele CA394809174.